The following is an entry in ClinVar:

ClinVar aggregate classification (germline): Uncertain significance (1 of 4 stars; one submission).

Conditions:
Immunodeficiency, common variable, 10. Also called: IMMUNODEFICIENCY, COMMON VARIABLE, WITH CENTRAL ADRENAL INSUFFICIENCY; DEFICIT IN ANTERIOR PITUITARY FUNCTION AND VARIABLE IMMUNODEFICIENCY. Identifiers: MedGen C3809991, MONDO:0014260, OMIM 615577.

Submission:

Labcorp Genetics (formerly Invitae), Labcorp
Classification: Uncertain significance for Immunodeficiency, common variable, 10. Last evaluated: 2024-06-05. Review status: criteria provided, single submitter. Criteria: Invitae Variant Classification Sherloc (09022015). Collection method: clinical testing. Allele origin: germline.
Comment: This sequence change replaces valine, which is neutral and non-polar, with isoleucine, which is neutral and non-polar, at codon 503 of the NFKB2 protein (p.Val503Ile). This variant is not present in population databases (gnomAD no frequency). This variant has not been reported in the literature in individuals affected with NFKB2-related conditions. An algorithm developed to predict the effect of missense changes on protein structure and function (PolyPhen-2) suggests that this variant is likely to be disruptive. In summary, the available evidence is currently insufficient to determine the role of this variant in disease. Therefore, it has been classified as a Variant of Uncertain Significance.

NM_001322934.2(NFKB2):c.1507G>A (p.Val503Ile)

Gene: NFKB2 (nuclear factor kappa B subunit 2; plus strand). Cytogenetic location: 10q24.32.
Variant type: single nucleotide variant.
Coding change: c.1507G>A on transcript NM_001322934.2 (MANE Select); coding-DNA position 1507, G replaced by A.
Protein change: p.Val503Ile; replaces valine 503 with isoleucine.
Molecular consequence: missense variant.
Genome position (GRCh38, 1-based): chr10:102,400,117, G>A. VCF-style: chr10-102400117-G-A. GRCh37 (hg19) VCF-style: chr10-104159874-G-A.
Other names: c.1507G>A, p.Val503Ile (NM_001077494.3, NM_001261403.3, NM_001288724.1 and 1 more transcripts); c.1381G>A, p.Val461Ile (NM_001322935.1); short protein forms V503I, V461I.
Identifiers: ClinVar variation 3691579 (VCV003691579.2).